The following is an entry in ClinVar:

NM_000179.3(MSH6):c.1908T>C (p.Thr636=)

Gene: MSH6 (mutS homolog 6; plus strand). Cytogenetic location: 2p16.3.
Variant type: single nucleotide variant.
Coding change: c.1908T>C on transcript NM_000179.3 (MANE Select); coding-DNA position 1908, T replaced by C.
Protein change: p.Thr636=; no amino-acid change (threonine 636 retained).
Molecular consequence: synonymous variant.
Genome position (GRCh38, 1-based): chr2:47,799,891, T>C. VCF-style: chr2-47799891-T-C. GRCh37 (hg19) VCF-style: chr2-48027030-T-C.
Other names: c.1518T>C, p.Thr506= (NM_001281492.2); c.1002T>C, p.Thr334= (NM_001281493.2, NM_001281494.2).
Identifiers: ClinVar variation 230323 (VCV000230323.7), dbSNP rs876658505, ClinGen allele CA10578086.

ClinVar aggregate classification (germline): Benign/Likely benign. Review status: criteria provided, multiple submitters, no conflicts (2 of 4 stars). 3 submissions from 3 submitters: Benign (1); Likely benign (2). Last evaluated 2025-04-01.

Conditions:
Hereditary nonpolyposis colorectal neoplasms. Identifiers: MedGen C0009405, MeSH D003123.
Hereditary cancer-predisposing syndrome. Also called: Hereditary neoplastic syndrome; Hereditary Cancer Syndrome; Neoplastic Syndromes, Hereditary; Tumor predisposition. Identifiers: Orphanet 140162, MedGen C0027672, MeSH D009386, MONDO:0015356.
Lynch syndrome 5 (LYNCH5). Also called: Colorectal cancer, hereditary nonpolyposis, type 5; Hereditary non-polyposis colorectal cancer, type 5. Identifiers: Orphanet 144, MedGen C1833477, MONDO:0013710, OMIM 614350. Disease mechanism: loss of function.

Submissions (3):

Labcorp Genetics (formerly Invitae), Labcorp
Classification: Likely benign for Hereditary nonpolyposis colorectal neoplasms. Last evaluated: 2025-04-01. Review status: criteria provided, single submitter. Criteria: Invitae Variant Classification Sherloc (09022015). Collection method: clinical testing. Allele origin: germline.

Myriad Genetics, Inc.
Classification: Benign for Lynch syndrome 5. Last evaluated: 2024-12-30. Review status: criteria provided, single submitter. Criteria: Myriad Autosomal Dominant, Autosomal Recessive and X-Linked Classification Criteria (2023). Collection method: clinical testing. Allele origin: unknown.
Comment: This variant is considered benign. This variant is a silent/synonymous amino acid change and it is not expected to impact splicing.

Ambry Genetics
Classification: Likely benign for Hereditary cancer-predisposing syndrome. Last evaluated: 2015-02-11. Review status: criteria provided, single submitter. Criteria: Ambry Variant Classification Scheme 2023. Collection method: clinical testing. Allele origin: germline.